The following is an entry in ClinVar:

ClinVar aggregate classification (germline): Uncertain significance (1 of 4 stars; one submission).

Conditions:
Generalized epilepsy with febrile seizures plus, type 7 (GEFSP7). Also called: GEFS+, TYPE 7. Identifiers: Orphanet 36387, MedGen C2751778, MONDO:0013470, OMIM 613863.
Neuropathy, hereditary sensory and autonomic, type 2A (HSAN2A). Also called: ACROOSTEOLYSIS, GIACCAI TYPE; ACROOSTEOLYSIS, NEUROGENIC; MORVAN DISEASE; NEUROPATHY, CONGENITAL SENSORY; NEUROPATHY, HEREDITARY SENSORY RADICULAR, AUTOSOMAL RECESSIVE; NEUROPATHY, HEREDITARY SENSORY, TYPE IIA. Identifiers: Orphanet 970, MedGen C2752089, MONDO:0024309, OMIM 201300.

Allele frequency attached by ClinVar (database versions not stated): TOPMed below 0.00001; ExAC 0.00001; gnomAD 0.00001; gnomAD exomes 0.00001 and 0.00002.
gnomAD v4.1: 21 of 1,613,988 alleles (0.0013%); highest among the groups gnomAD compares: East Asian, 0.025%; no homozygotes.

Submission:

Labcorp Genetics (formerly Invitae), Labcorp
Classification: Uncertain significance for Neuropathy, hereditary sensory and autonomic, type 2A; Generalized epilepsy with febrile seizures plus, type 7. Last evaluated: 2026-01-12. Review status: criteria provided, single submitter. Criteria: Invitae Variant Classification Sherloc (09022015). Collection method: clinical testing. Allele origin: germline.
Comment: This sequence change replaces arginine, which is basic and polar, with glutamine, which is neutral and polar, at codon 1824 of the SCN9A protein (p.Arg1824Gln). This variant is present in population databases (rs769295581, gnomAD 0.03%). This missense change has been observed in individual(s) with generalized epilepsy with febrile seizures, plus (PMID: 38174099). ClinVar contains an entry for this variant (Variation ID: 1012082). Invitae Evidence Modeling of protein sequence and biophysical properties (such as structural, functional, and spatial information, amino acid conservation, physicochemical variation, residue mobility, and thermodynamic stability) indicates that this missense variant is not expected to disrupt SCN9A protein function with a negative predictive value of 80%. In summary, the available evidence is currently insufficient to determine the role of this variant in disease. Therefore, it has been classified as a Variant of Uncertain Significance.

Literature cited by the submitters: PubMed 38174099.

NM_001365536.1(SCN9A):c.5504G>A (p.Arg1835Gln)

Genes: SCN9A (sodium voltage-gated channel alpha subunit 9; minus strand), SCN1A-AS1 (SCN1A and SCN9A antisense RNA 1; plus strand). Cytogenetic location: 2q24.3.
Variant type: single nucleotide variant.
Coding change: c.5504G>A on transcript NM_001365536.1 (MANE Select); coding-DNA position 5504, G replaced by A.
Protein change: p.Arg1835Gln; replaces arginine 1835 with glutamine.
Molecular consequence: missense variant.
Genome position (GRCh38, 1-based): chr2:166,199,135, C>T on the plus strand (G>A on the coding strand, the complement: SCN9A is on the minus strand). VCF-style: chr2-166199135-C-T. GRCh37 (hg19) VCF-style: chr2-167055645-C-T.
Other names: c.5471G>A, p.Arg1824Gln (NM_002977.4); short protein forms R1824Q, R1835Q.
Identifiers: ClinVar variation 1012082 (VCV001012082.7), dbSNP rs769295581, ClinGen allele CA1943665.
Genomic context (GRCh38, chr2:166,199,135, plus strand): 5'-TCCCCACTCTCACCCAAAACACGCTTTGTAAAAGCAAATAAGATGTCAAGACAATGGATC[C>T]GGTCACCACTAACCATGGGCAGATCCATGGCAATGAGCTGGACTTTGTTGGGTTTTGCTA-3'
Protein context (NP_001352465.1, residues 1825-1845): AMDLPMVSGD[Arg1835Gln]IHCLDILFAF